The following is an entry in ClinVar:

ClinVar aggregate classification (germline): Uncertain significance. Review status: criteria provided, multiple submitters, no conflicts (2 of 4 stars). 2 submissions from 2 submitters: Uncertain significance (2). Last evaluated 2025-09-07.

Conditions:
Cardiovascular phenotype. Identifiers: MedGen CN230736.
Hypertrophic cardiomyopathy. Also called: HYPERTROPHIC MYOCARDIOPATHY. Identifiers: Orphanet 217569, MedGen C0007194, MeSH D002312, MONDO:0005045, HP:0001639.

Allele frequency attached by ClinVar (database versions not stated): ExAC 0.00001; gnomAD 0.00001; TOPMed 0.00001; 1000 Genomes Project 30x 0.00016; 1000 Genomes Project 0.00020.
gnomAD v4.1: 2 of 1,599,864 alleles (0.00013%); highest among the groups gnomAD compares: Admixed American, 0.0033%; no homozygotes.

Submissions (2):

Ambry Genetics
Classification: Uncertain significance for Cardiovascular phenotype. Last evaluated: 2025-09-07. Review status: criteria provided, single submitter. Criteria: Ambry Variant Classification Scheme 2023. Collection method: clinical testing. Allele origin: germline.
Comment: The p.R616C variant (also known as c.1846C>T), located in coding exon 4 of the JPH2 gene, results from a C to T substitution at nucleotide position 1846. The arginine at codon 616 is replaced by cysteine, an amino acid with highly dissimilar properties. This amino acid position is not well conserved in available vertebrate species. In addition, this alteration is predicted to be tolerated by in silico analysis. Since supporting evidence is limited at this time, the clinical significance of this alteration remains unclear.

Labcorp Genetics (formerly Invitae), Labcorp
Classification: Uncertain significance for Hypertrophic cardiomyopathy. Last evaluated: 2022-01-06. Review status: criteria provided, single submitter. Criteria: Invitae Variant Classification Sherloc (09022015). Collection method: clinical testing. Allele origin: germline.
Comment: In summary, the available evidence is currently insufficient to determine the role of this variant in disease. Therefore, it has been classified as a Variant of Uncertain Significance. Algorithms developed to predict the effect of missense changes on protein structure and function are either unavailable or do not agree on the potential impact of this missense change (SIFT: "Deleterious"; PolyPhen-2: "Benign"; Align-GVGD: "Class C0"). This variant has not been reported in the literature in individuals affected with JPH2-related conditions. The frequency data for this variant in the population databases is considered unreliable, as metrics indicate poor data quality at this position in the gnomAD database. This sequence change replaces arginine, which is basic and polar, with cysteine, which is neutral and slightly polar, at codon 616 of the JPH2 protein (p.Arg616Cys).

NM_020433.5(JPH2):c.1846C>T (p.Arg616Cys)

Gene: JPH2 (junctophilin 2; minus strand). Cytogenetic location: 20q13.12.
Variant type: single nucleotide variant.
Coding change: c.1846C>T on transcript NM_020433.5 (MANE Select); coding-DNA position 1846, C replaced by T.
Protein change: p.Arg616Cys; replaces arginine 616 with cysteine.
Molecular consequence: missense variant.
Genome position (GRCh38, 1-based): chr20:44,115,829, G>A on the plus strand (C>T on the coding strand, the complement: JPH2 is on the minus strand). VCF-style: chr20-44115829-G-A. GRCh37 (hg19) VCF-style: chr20-42744469-G-A.
Other names: c.1846C>T (NM_020433.4); short protein forms R616C.
Identifiers: ClinVar variation 1409912 (VCV001409912.8), dbSNP rs543276833, ClinGen allele CA9868589.
Genomic context (GRCh38, chr20:44,115,829, plus strand): 5'-TGGCCCTGGGCTCGGCTTTGGGGATGATGGGCTTGGGCTCCAGCTTGGCGGGGGTCTCGC[G>A]TGCAGGCTCGGGGCCTCGGAGCGTGGGGGCCTGCAGCGGGGCGGTGGCCGGGGACGAGGG-3'
Protein context (NP_065166.2, residues 606-626): APTLRGPEPA[Arg616Cys]ETPAKLEPKP